The following is an entry in ClinVar:

ClinVar aggregate classification (germline): Uncertain significance (1 of 4 stars; one submission).

Conditions:
Hyperphosphatasia with intellectual disability syndrome 5 (GPIBD11). Also called: GLYCOSYLPHOSPHATIDYLINOSITOL BIOSYNTHESIS DEFECT 11. Identifiers: Orphanet 247262, MedGen C4014958, MONDO:0014457, OMIM 616025.

Allele frequency attached by ClinVar (database versions not stated): TOPMed 0.00001.
gnomAD v4.1: 2 of 1,614,064 alleles (0.00012%); highest among the groups gnomAD compares: Admixed American, 0.0017%; no homozygotes.

Submission:

Labcorp Genetics (formerly Invitae), Labcorp
Classification: Uncertain significance for Hyperphosphatasia with intellectual disability syndrome 5. Last evaluated: 2021-12-02. Review status: criteria provided, single submitter. Criteria: Invitae Variant Classification Sherloc (09022015). Collection method: clinical testing. Allele origin: germline.
Comment: This sequence change replaces serine, which is neutral and polar, with phenylalanine, which is neutral and non-polar, at codon 426 of the PIGW protein (p.Ser426Phe). This variant is present in population databases (rs770369186, gnomAD 0.003%). This variant has not been reported in the literature in individuals affected with PIGW-related conditions. Algorithms developed to predict the effect of missense changes on protein structure and function output the following: SIFT: "Tolerated"; PolyPhen-2: "Benign"; Align-GVGD: "Class C0". The phenylalanine amino acid residue is found in multiple mammalian species, which suggests that this missense change does not adversely affect protein function. In summary, the available evidence is currently insufficient to determine the role of this variant in disease. Therefore, it has been classified as a Variant of Uncertain Significance.

NM_001346754.2(PIGW):c.1277C>T (p.Ser426Phe)

Genes: MYO19 (myosin XIX; minus strand), PIGW (phosphatidylinositol glycan anchor biosynthesis class W; plus strand). Cytogenetic location: 17q12.
Variant type: single nucleotide variant.
Coding change: c.1277C>T on transcript NM_001346754.2 (MANE Select); coding-DNA position 1277, C replaced by T.
Protein change: p.Ser426Phe; replaces serine 426 with phenylalanine.
Molecular consequence: missense variant.
Genome position (GRCh38, 1-based): chr17:36,538,378, C>T. VCF-style: chr17-36538378-C-T. GRCh37 (hg19) VCF-style: chr17-34894227-C-T.
Other names: c.1277C>T, p.Ser426Phe (NM_001346755.2, NM_178517.5); short protein forms S426F.
Identifiers: ClinVar variation 1497866 (VCV001497866.5), dbSNP rs770369186, ClinGen allele CA290116719.
Genomic context (GRCh38, chr17:36,538,378, plus strand): 5'-TAGTACCATGTTCTTGGAAACTTATCCAGTCACCTGTTACAAATAAAAAGCATTCAGAAT[C>T]TCTAGTCCCTGAAGCCGAAAGAATGGAACCCAGTCTTTGTTTAATCACAGCTCTAAACAG-3'
Protein context (NP_001333683.1, residues 416-436): SPVTNKKHSE[Ser426Phe]LVPEAERMEP